The following is an entry in ClinVar:

ClinVar aggregate classification (germline): Uncertain significance (1 of 4 stars; one submission).

gnomAD v4.1: 29 of 1,550,326 alleles (0.0019%); highest among the groups gnomAD compares: East Asian, 0.0024%; no homozygotes.

Submission:

GeneDx
Classification: Uncertain significance. Last evaluated: 2024-07-22. Review status: criteria provided, single submitter. Criteria: GeneDx Variant Classification Process June 2021. Collection method: clinical testing. Allele origin: germline. Affected: yes.
Comment: Not observed at significant frequency in large population cohorts (gnomAD); In silico analysis indicates that this missense variant does not alter protein structure/function; Has not been previously published as pathogenic or benign to our knowledge

NM_001292063.2(OTOG):c.5591A>G (p.His1864Arg)

Gene: OTOG (otogelin; plus strand). Cytogenetic location: 11p15.1.
Variant type: single nucleotide variant.
Coding change: c.5591A>G on transcript NM_001292063.2 (MANE Select); coding-DNA position 5591, A replaced by G.
Protein change: p.His1864Arg; replaces histidine 1864 with arginine.
Molecular consequence: missense variant.
Genome position (GRCh38, 1-based): chr11:17,610,891, A>G. VCF-style: chr11-17610891-A-G. GRCh37 (hg19) VCF-style: chr11-17632438-A-G.
Other names: c.5627A>G, p.His1876Arg (NM_001277269.2); short protein forms H1864R, H1876R.
Identifiers: ClinVar variation 3600623 (VCV003600623.1).